The following is an entry in ClinVar:

NM_000287.4(PEX6):c.2524G>A (p.Val842Met)

Gene: PEX6 (peroxisomal biogenesis factor 6; minus strand). Cytogenetic location: 6p21.1.
Variant type: single nucleotide variant.
Coding change: c.2524G>A on transcript NM_000287.4 (MANE Select); coding-DNA position 2524, G replaced by A.
Protein change: p.Val842Met; replaces valine 842 with methionine.
Molecular consequence: missense variant. On other transcripts: non-coding transcript variant (1).
Genome position (GRCh38, 1-based): chr6:42,965,316, C>T on the plus strand (G>A on the coding strand, the complement: PEX6 is on the minus strand). VCF-style: chr6-42965316-C-T. GRCh37 (hg19) VCF-style: chr6-42933054-C-T.
Other names: c.2524G>A (NM_000287.3); c.2260G>A, p.Val754Met (NM_001316313.2); short protein forms V754M, V842M.
Identifiers: ClinVar variation 2153525 (VCV002153525.3), dbSNP rs368362933, ClinGen allele CA3810997.
Genomic context (GRCh38, chr6:42,965,316, plus strand): 5'-CAGGCCGCAGAAGGGCAGGGTCCAGGAGATCTGGTCTGTTGGTGGCTCCAATCACAAACA[C>T]ATCCTGAGTGCTGTGCAGCCCATCTAGCTCGGCAAGGAGCTGAGACACCACCCTGGAGAG-3'
Protein context (NP_000278.3, residues 832-852): ELDGLHSTQD[Val842Met]FVIGATNRPD

ClinVar aggregate classification (germline): Uncertain significance. Review status: criteria provided, multiple submitters, no conflicts (2 of 4 stars). 3 submissions from 3 submitters: Uncertain significance (3). Last evaluated 2025-06-03.

Conditions:
Inborn genetic diseases. Identifiers: MedGen C0950123, MeSH D030342.
PEX6-related disorder. Also called: PEX6-related condition; PEX6-related disorders.
Peroxisome biogenesis disorder. Identifiers: Orphanet 79189, MedGen C1832200, MONDO:0019234. Disease mechanism: loss of function.

Allele frequency attached by ClinVar (database versions not stated): gnomAD 0.00001; gnomAD exomes 0.00001; TOPMed 0.00002; ExAC 0.00005.
gnomAD v4.1: 18 of 1,614,076 alleles (0.0011%); highest among the groups gnomAD compares: East Asian, 0.016%; no homozygotes.

Submissions (3):

Ambry Genetics
Classification: Uncertain significance for Inborn genetic diseases. Last evaluated: 2025-06-03. Review status: criteria provided, single submitter. Criteria: Ambry Variant Classification Scheme 2023. Collection method: clinical testing. Allele origin: germline.

PreventionGenetics, part of Exact Sciences
Classification: Uncertain significance for PEX6-related condition. Last evaluated: 2024-12-27. Review status: criteria provided, single submitter. Criteria: ACMG Guidelines, 2015. Collection method: clinical testing. Allele origin: germline.
Comment: The PEX6 c.2524G>A variant is predicted to result in the amino acid substitution p.Val842Met. To our knowledge, this variant has not been reported in the literature. This variant is reported in 0.040% of alleles in individuals of East Asian descent in gnomAD. At this time, the clinical significance of this variant is uncertain due to the absence of conclusive functional and genetic evidence.

Labcorp Genetics (formerly Invitae), Labcorp
Classification: Uncertain significance for Peroxisome biogenesis disorder. Last evaluated: 2022-08-16. Review status: criteria provided, single submitter. Criteria: Invitae Variant Classification Sherloc (09022015). Collection method: clinical testing. Allele origin: germline.
Comment: This sequence change replaces valine, which is neutral and non-polar, with methionine, which is neutral and non-polar, at codon 842 of the PEX6 protein (p.Val842Met). This variant is present in population databases (rs368362933, gnomAD 0.04%). This variant has not been reported in the literature in individuals affected with PEX6-related conditions. Algorithms developed to predict the effect of missense changes on protein structure and function are either unavailable or do not agree on the potential impact of this missense change (SIFT: "Deleterious"; PolyPhen-2: "Probably Damaging"; Align-GVGD: "Class C0"). In summary, the available evidence is currently insufficient to determine the role of this variant in disease. Therefore, it has been classified as a Variant of Uncertain Significance.